The following is an entry in ClinVar:

ClinVar aggregate classification (germline): Uncertain significance (1 of 4 stars; one submission).

Conditions:
Developmental and epileptic encephalopathy, 62. Also called: Early infantile epileptic encephalopathy 62. Identifiers: MedGen C4693699, MONDO:0033371, OMIM 617938.
Epilepsy, familial focal, with variable foci 4 (FFEVF4). Identifiers: MedGen C4693694, MONDO:0054776, OMIM 617935.

Allele frequency attached by ClinVar (database versions not stated): gnomAD exomes below 0.00001.
gnomAD v4.1: 1 of 1,613,962 alleles (0.000062%); highest among the groups gnomAD compares: Non-Finnish European, 0.000085%; no homozygotes.

Submission:

New York Genome Center
Classification: Uncertain significance for Developmental and epileptic encephalopathy, 62; Epilepsy, familial focal, with variable foci 4. Last evaluated: 2021-03-05. Review status: criteria provided, single submitter. Criteria: NYGC Assertion Criteria 2020. Collection method: clinical testing. Allele origin: inherited. Observed: 1 heterozygote. Study: CSER-NYCKidSeq.
Comment: The c.1663C>A (p.Pro555Thr) variant identified in the SCN3A gene substitutes a conserved Proline for Threonine at amino acid 555/2001 (exon 12/28). This variant is absent from gnomAD(v3.1) suggesting it is not a common benign variant in the populations represented in that database. In silico algorithms predict this variant to be Damaging (SIFT; score:0.014) and Pathogenic (REVEL; score:0.637) to the function of the canonical transcript. This variant is absent from ClinVar and to our current knowledge has not been reported in affected individuals in the literature. This variant is within the cytoplasmic domain between transmembrane domains I and II (UniProtKB:Q9NY46). Given the lack of compelling evidence for its pathogenicity, the inherited c.1663C>A (p.Pro555Thr) variant identified in the SCN3A gene is reported as a Variant of Uncertain Significance.

NM_006922.4(SCN3A):c.1663C>A (p.Pro555Thr)

Gene: SCN3A (sodium voltage-gated channel alpha subunit 3; minus strand). Cytogenetic location: 2q24.3.
Variant type: single nucleotide variant.
Coding change: c.1663C>A on transcript NM_006922.4 (MANE Select); coding-DNA position 1663, C replaced by A.
Protein change: p.Pro555Thr; replaces proline 555 with threonine.
Molecular consequence: missense variant.
Genome position (GRCh38, 1-based): chr2:165,146,747, G>T on the plus strand (C>A on the coding strand, the complement: SCN3A is on the minus strand). VCF-style: chr2-165146747-G-T. GRCh37 (hg19) VCF-style: chr2-166003257-G-T.
Other names: c.1663C>A, p.Pro555Thr (NM_001081676.2, NM_001081677.2); short protein forms P555T.
Identifiers: ClinVar variation 1342364 (VCV001342364.2), dbSNP rs2105833109, ClinGen allele CA349236248.